The following is an entry in ClinVar:

NM_002303.6(LEPR):c.694A>G (p.Ile232Val)

Gene: LEPR (leptin receptor; plus strand). Cytogenetic location: 1p31.3.
Variant type: single nucleotide variant.
Coding change: c.694A>G on transcript NM_002303.6 (MANE Select); coding-DNA position 694, A replaced by G.
Protein change: p.Ile232Val; replaces isoleucine 232 with valine.
Molecular consequence: missense variant.
Genome position (GRCh38, 1-based): chr1:65,592,856, A>G. VCF-style: chr1-65592856-A-G. GRCh37 (hg19) VCF-style: chr1-66058539-A-G.
Other names: c.694A>G, p.Ile232Val (NM_001003679.3, NM_001003680.3, NM_001198687.2 and 2 more transcripts); short protein forms I232V.
Identifiers: ClinVar variation 3348410 (VCV003348410.1).
Genomic context (GRCh38, chr1:65,592,856, plus strand): 5'-TGTTTGAAAATCACATCTGGTGGAGTAATTTTCCAGTCACCTCTAATGTCAGTTCAGCCC[A>G]TAAATATGGGTAAGTTATGCACTAAAATGATGATAATAGGTCTAAACATCAGTCATATAT-3'
Protein context (NP_002294.2, residues 222-242): FQSPLMSVQP[Ile232Val]NMVKPDPPLG

ClinVar aggregate classification (germline): Uncertain significance (0 of 4 stars; one submission).

Conditions:
LEPR-related disorder. Also called: LEPR-related condition; LEPR-related disorders.

gnomAD v4.1: 2 of 1,613,046 alleles (0.00012%); highest among the groups gnomAD compares: Non-Finnish European, 0.00017%; no homozygotes.

Submission:

PreventionGenetics, part of Exact Sciences
Classification: Uncertain significance for LEPR-related condition. Last evaluated: 2023-10-25. Review status: no assertion criteria provided. Collection method: clinical testing. Allele origin: germline.
Comment: The LEPR c.694A>G variant is predicted to result in the amino acid substitution p.Ile232Val. To our knowledge, this variant has not been reported in the literature or in a large population database, indicating this variant is rare. At this time, the clinical significance of this variant is uncertain due to the absence of conclusive functional and genetic evidence.